The following is an entry in ClinVar:

ClinVar aggregate classification (germline): Likely benign. Review status: criteria provided, multiple submitters, no conflicts (2 of 4 stars). 2 submissions from 2 submitters: Likely benign (2). Last evaluated 2026-04-01.

Allele frequency attached by ClinVar (database versions not stated): TOPMed 0.00013; ExAC 0.00014; gnomAD 0.00015; gnomAD exomes 0.00015; ESP Exome Variant Server 0.00031.
gnomAD v4.1: 250 of 1,614,088 alleles (0.015%); highest among the groups gnomAD compares: Non-Finnish European, 0.019%; 1 homozygote.

Submissions (2):

CeGaT Center for Human Genetics Tuebingen
Classification: Likely benign. Last evaluated: 2026-04-01. Review status: criteria provided, single submitter. Criteria: CeGaT Center For Human Genetics Tuebingen Variant Classification Criteria Version 2. Collection method: clinical testing. Allele origin: germline. Affected: yes. Observed: 1 variant allele.
Comment: CNOT1: BP4, BP7

Labcorp Genetics (formerly Invitae), Labcorp
Classification: Likely benign. Last evaluated: 2022-11-12. Review status: criteria provided, single submitter. Criteria: Invitae Variant Classification Sherloc (09022015). Collection method: clinical testing. Allele origin: germline.

NM_016284.5(CNOT1):c.2811T>C (p.Tyr937=)

Gene: CNOT1 (CCR4-NOT transcription complex subunit 1; minus strand). Cytogenetic location: 16q21.
Variant type: single nucleotide variant.
Coding change: c.2811T>C on transcript NM_016284.5 (MANE Select); coding-DNA position 2811, T replaced by C.
Protein change: p.Tyr937=; no amino-acid change (tyrosine 937 retained).
Molecular consequence: synonymous variant. On other transcripts: non-coding transcript variant (1).
Genome position (GRCh38, 1-based): chr16:58,555,331, A>G on the plus strand (T>C on the coding strand, the complement: CNOT1 is on the minus strand). VCF-style: chr16-58555331-A-G. GRCh37 (hg19) VCF-style: chr16-58589235-A-G.
Other names: c.2796T>C, p.Tyr932= (NM_001265612.2); c.2811T>C, p.Tyr937= (NM_206999.3).
Identifiers: ClinVar variation 2713679 (VCV002713679.5), dbSNP rs145768046, ClinGen allele CA8089578.
Genomic context (GRCh38, chr16:58,555,331, plus strand): 5'-TGCAGCAATCCCGAAATAATACATTTTGGATCCAAAAGGCTTGCGTAAGGCTTCAAGAAC[A>G]TATCGTAGAGCCAGACCTAGTGCCATGTAAGTGACCAGTCCTTTCTCAATTATACCACCA-3'
Protein context (NP_057368.3, residues 927-947): TYMALGLALR[Tyr937=]VLEALRKPFG